The following is an entry in ClinVar:

NM_032608.7(MYO18B):c.6856del (p.Ala2286fs)

Gene: MYO18B (myosin XVIIIB; plus strand). Cytogenetic location: 22q12.1.
Variant type: Deletion.
Coding change: c.6856del on transcript NM_032608.7 (MANE Select); coding-DNA position 6856, one base deleted (G; older notation c.6856delG).
Protein change: p.Ala2286fs; shifts the reading frame from alanine 2286.
Molecular consequence: frameshift variant.
Genome position (GRCh38, 1-based): chr22:26,026,830, G deleted; the last of 4 consecutive G bases (chr22:26,026,827-26,026,830); deleting any one gives the same sequence. VCF-style (leftmost placement, unchanged base first): chr22-26026826-TG-T. GRCh37 (hg19) VCF-style: chr22-26422792-TG-T.
Other names: c.6859del, p.Ala2287fs (NM_001318245.2); short protein forms A2287fs, A2286fs.
Identifiers: ClinVar variation 4721764 (VCV004721764.1).
Genomic context (GRCh38, chr22:26,026,826, plus strand): 5'-AGGCCAGGGGTCCACGCTGGGCCTAGAGGACTGGCCCACTCTCCCCATTTACCAGACGAC[TG>T]GGGCCTCCACACTAAGGAGGGGCAGGGCTGGCAGTGACGAGGGAAACCTCTCGCTGAGGG-3'

ClinVar aggregate classification (germline): Pathogenic (1 of 4 stars; one submission).

Submission:

Labcorp Genetics (formerly Invitae), Labcorp
Classification: Pathogenic. Last evaluated: 2025-06-24. Review status: criteria provided, single submitter. Criteria: Invitae Variant Classification Sherloc (09022015). Collection method: clinical testing. Allele origin: germline.
Comment: This sequence change creates a premature translational stop signal (p.Ala2286Profs*4) in the MYO18B gene. It is expected to result in an absent or disrupted protein product. Loss-of-function variants in MYO18B are known to be pathogenic (PMID: 25748484, 32184166, 32637634). This variant is not present in population databases (gnomAD no frequency). This variant has not been reported in the literature in individuals affected with MYO18B-related conditions. For these reasons, this variant has been classified as Pathogenic.

Literature cited by the submitters: PubMed 25748484; PubMed 32184166; PubMed 32637634.